The following is an entry in ClinVar:

NM_000179.3(MSH6):c.3398C>A (p.Thr1133Asn)

Gene: MSH6 (mutS homolog 6; plus strand). Cytogenetic location: 2p16.3.
Variant type: single nucleotide variant.
Coding change: c.3398C>A on transcript NM_000179.3 (MANE Select); coding-DNA position 3398, C replaced by A.
Protein change: p.Thr1133Asn; replaces threonine 1133 with asparagine.
Molecular consequence: missense variant.
Genome position (GRCh38, 1-based): chr2:47,803,645, C>A. VCF-style: chr2-47803645-C-A. GRCh37 (hg19) VCF-style: chr2-48030784-C-A.
Other names: c.3008C>A, p.Thr1003Asn (NM_001281492.2); c.2492C>A, p.Thr831Asn (NM_001281493.2, NM_001281494.2); short protein forms T1133N, T1003N, T831N.
Identifiers: ClinVar variation 455255 (VCV000455255.16), dbSNP rs730881805, ClinGen allele CA346758866.

ClinVar aggregate classification (germline): Conflicting classifications of pathogenicity. Review status: criteria provided, conflicting classifications (1 of 4 stars). 3 submissions from 3 submitters: Uncertain significance (2); Likely benign (1). Last evaluated 2024-09-23.

Conditions:
Hereditary nonpolyposis colorectal neoplasms. Identifiers: MedGen C0009405, MeSH D003123.
Hereditary cancer-predisposing syndrome. Also called: Hereditary Cancer Syndrome; Hereditary neoplastic syndrome; Neoplastic Syndromes, Hereditary; Tumor predisposition. Identifiers: Orphanet 140162, MedGen C0027672, MeSH D009386, MONDO:0015356.
Endometrial carcinoma. Also called: Endometrial carcinoma, somatic. Identifiers: MedGen C0476089, MONDO:0002447, OMIM 608089, HP:0012114.

Allele frequency attached by ClinVar (database versions not stated): gnomAD exomes below 0.00001; gnomAD 0.00001; TOPMed 0.00002.
gnomAD v4.1: 2 of 1,614,066 alleles (0.00012%); highest among the groups gnomAD compares: African/African-American, 0.0027%; no homozygotes.

Submissions (3):

Ambry Genetics
Classification: Uncertain significance for Hereditary cancer-predisposing syndrome. Last evaluated: 2024-09-23. Review status: criteria provided, single submitter. Criteria: Ambry Variant Classification Scheme 2023. Collection method: clinical testing. Allele origin: germline.
Comment: The p.T1133N variant (also known as c.3398C>A), located in coding exon 5 of the MSH6 gene, results from a C to A substitution at nucleotide position 3398. The threonine at codon 1133 is replaced by asparagine, an amino acid with similar properties. This amino acid position is highly conserved in available vertebrate species. In addition, this alteration is predicted to be deleterious by in silico analysis. Since supporting evidence is limited at this time, the clinical significance of this alteration remains unclear.

Baylor Genetics
Classification: Uncertain significance for Endometrial carcinoma. Last evaluated: 2024-03-25. Review status: criteria provided, single submitter. Criteria: ACMG Guidelines, 2015. Collection method: clinical testing. Allele origin: unknown.

Labcorp Genetics (formerly Invitae), Labcorp
Classification: Likely benign for Hereditary nonpolyposis colorectal neoplasms. Last evaluated: 2023-07-07. Review status: criteria provided, single submitter. Criteria: Invitae Variant Classification Sherloc (09022015). Collection method: clinical testing. Allele origin: germline.